The following is an entry in ClinVar:

ClinVar aggregate classification (germline): Uncertain significance (1 of 4 stars; one submission).

Submission:

GeneDx
Classification: Uncertain significance. Last evaluated: 2021-06-11. Review status: criteria provided, single submitter. Criteria: GeneDx Variant Classification Process June 2021. Collection method: clinical testing. Allele origin: germline. Affected: yes.
Comment: Not observed at significant frequency in large population cohorts (Lek et al., 2016); In silico analysis supports that this missense variant has a deleterious effect on protein structure/function; Has not been previously published as pathogenic or benign to our knowledge; This variant is associated with the following publications: (PMID: 27535533)

NM_001197104.2(KMT2A):c.6490C>T (p.Pro2164Ser)

Gene: KMT2A (lysine methyltransferase 2A; plus strand). Cytogenetic location: 11q23.3.
Variant type: single nucleotide variant.
Coding change: c.6490C>T on transcript NM_001197104.2 (MANE Select); coding-DNA position 6490, C replaced by T.
Protein change: p.Pro2164Ser; replaces proline 2164 with serine.
Molecular consequence: missense variant.
Genome position (GRCh38, 1-based): chr11:118,501,842, C>T. VCF-style: chr11-118501842-C-T. GRCh37 (hg19) VCF-style: chr11-118372557-C-T.
Other names: c.6481C>T, p.Pro2161Ser (NM_005933.4); short protein forms P2161S, P2164S.
Identifiers: ClinVar variation 1327771 (VCV001327771.2), dbSNP rs2134382151, ClinGen allele CA382802013.